The following is an entry in ClinVar:

ClinVar aggregate classification (germline): Uncertain significance (1 of 4 stars; one submission).

Conditions:
Hereditary spastic paraplegia 39 (SPG39). Also called: Spastic Paraplegia Type 39 (SPG39); SPASTIC PARAPLEGIA 39, AUTOSOMAL RECESSIVE. Identifiers: Orphanet 139480, MedGen C2677586, MONDO:0012787, OMIM 612020.

Allele frequency attached by ClinVar (database versions not stated): ExAC 0.00004; gnomAD 0.00004 and 0.00005; gnomAD exomes 0.00005 and 0.00006; ESP Exome Variant Server 0.00008; TOPMed 0.00009; 1000 Genomes Project 0.00020; 1000 Genomes Project 30x 0.00031.

Submission:

Labcorp Genetics (formerly Invitae), Labcorp
Classification: Uncertain significance for Hereditary spastic paraplegia 39. Last evaluated: 2022-05-27. Review status: criteria provided, single submitter. Criteria: Invitae Variant Classification Sherloc (09022015). Collection method: clinical testing. Allele origin: germline.
Comment: This sequence change replaces alanine, which is neutral and non-polar, with threonine, which is neutral and polar, at codon 81 of the PNPLA6 protein (p.Ala81Thr). This variant is present in population databases (rs147490830, gnomAD 0.03%). This variant has not been reported in the literature in individuals affected with PNPLA6-related conditions. ClinVar contains an entry for this variant (Variation ID: 969903). Algorithms developed to predict the effect of missense changes on protein structure and function output the following: SIFT: "Tolerated"; PolyPhen-2: "Benign"; Align-GVGD: "Class C0". The threonine amino acid residue is found in multiple mammalian species, which suggests that this missense change does not adversely affect protein function. In summary, the available evidence is currently insufficient to determine the role of this variant in disease. Therefore, it has been classified as a Variant of Uncertain Significance.

NM_001166114.2(PNPLA6):c.358G>A (p.Ala120Thr)

Gene: PNPLA6 (patatin like domain 6, lysophospholipase; plus strand). Cytogenetic location: 19p13.2.
Variant type: single nucleotide variant.
Coding change: c.358G>A on transcript NM_001166114.2 (MANE Select); coding-DNA position 358, G replaced by A.
Protein change: p.Ala120Thr; replaces alanine 120 with threonine.
Molecular consequence: missense variant.
Genome position (GRCh38, 1-based): chr19:7,536,491, G>A. VCF-style: chr19-7536491-G-A. GRCh37 (hg19) VCF-style: chr19-7601377-G-A.
Other names: c.385G>A, p.Ala129Thr (NM_001166111.2); c.241G>A, p.Ala81Thr (NM_001166112.2, NM_001166113.1, NM_006702.5); short protein forms A129T, A120T, A81T.
Identifiers: ClinVar variation 969903 (VCV000969903.7), dbSNP rs147490830, ClinGen allele CA9139437.
Genomic context (GRCh38, chr19:7,536,491, plus strand): 5'-CCGCCTTCATTCTCCCAGGTGTCACAATCCACCTCCTCCCTCGTGGATACCTCTGTCTCC[G>A]CCACCTCCCGGCCACGCATGAGGAAGAAACTGAAGATGCTCAACATTGCCAAGAAGTAAG-3'
Protein context (NP_001159586.1, residues 110-130): TSSLVDTSVS[Ala120Thr]TSRPRMRKKL